The following is an entry in ClinVar:

ClinVar aggregate classification (germline): Uncertain significance (1 of 4 stars; one submission).

Conditions:
Inborn genetic diseases. Identifiers: MedGen C0950123, MeSH D030342.

gnomAD v4.1: 3 of 1,607,700 alleles (0.00019%); highest among the groups gnomAD compares: Non-Finnish European, 0.00025%; no homozygotes.

Submission:

Ambry Genetics
Classification: Uncertain significance for Inborn genetic diseases. Last evaluated: 2025-01-21. Review status: criteria provided, single submitter. Criteria: Ambry Variant Classification Scheme 2023. Collection method: clinical testing. Allele origin: germline.
Comment: The p.T636S variant (also known as c.1907C>G), located in coding exon 13 of the ERCC6L2 gene, results from a C to G substitution at nucleotide position 1907. The threonine at codon 636 is replaced by serine, an amino acid with similar properties. This amino acid position is conserved. In addition, the in silico prediction for this alteration is inconclusive. Based on the available evidence, the clinical significance of this variant remains unclear.

NM_020207.7(ERCC6L2):c.1907C>G (p.Thr636Ser)

Gene: ERCC6L2 (ERCC excision repair 6 like 2; plus strand). Cytogenetic location: 9q22.32.
Variant type: single nucleotide variant.
Coding change: c.1907C>G on transcript NM_020207.7 (MANE Select); coding-DNA position 1907, C replaced by G.
Protein change: p.Thr636Ser; replaces threonine 636 with serine.
Molecular consequence: missense variant. On other transcripts: non-coding transcript variant (1).
Genome position (GRCh38, 1-based): chr9:95,955,973, C>G. VCF-style: chr9-95955973-C-G. GRCh37 (hg19) VCF-style: chr9-98718255-C-G.
Other names: c.1907C>G, p.Thr636Ser (NM_001010895.4, NM_001375291.1, NM_001375292.1 and 2 more transcripts); short protein forms T636S.
Identifiers: ClinVar variation 3845886 (VCV003845886.1).